The following is an entry in ClinVar:

ClinVar aggregate classification (germline): Likely benign (0 of 4 stars; one submission).

Conditions:
NRP2-related disorder. Also called: NRP2-related condition.

gnomAD v4.1: 6 of 1,612,684 alleles (0.00037%); highest among the groups gnomAD compares: East Asian, 0.0045%; no homozygotes.

Submission:

PreventionGenetics, part of Exact Sciences
Classification: Likely benign for NRP2-related condition. Last evaluated: 2021-06-02. Review status: no assertion criteria provided. Collection method: clinical testing. Allele origin: germline.
Comment: This variant is classified as likely benign based on ACMG/AMP sequence variant interpretation guidelines (Richards et al. 2015 PMID: 25741868, with internal and published modifications).

NM_003872.3(NRP2):c.2425+9654C>T

Gene: NRP2 (neuropilin 2; plus strand). Cytogenetic location: 2q33.3.
Variant type: single nucleotide variant.
Coding change: c.2425+9654C>T on transcript NM_003872.3 (MANE Select); 9654 bases into the intron after coding-DNA position 2425, C replaced by T.
Molecular consequence: intron variant. On other transcripts: synonymous variant (2).
Genome position (GRCh38, 1-based): chr2:205,776,457, C>T. VCF-style: chr2-205776457-C-T. GRCh37 (hg19) VCF-style: chr2-206641181-C-T.
Other names: c.2652C>T, p.Asn884= (NM_018534.4); c.2637C>T, p.Asn879= (NM_201267.2); c.2440+9639C>T (NM_201266.2); c.2425+9654C>T (NM_201279.2).
Identifiers: ClinVar variation 3357569 (VCV003357569.1).